The following is an entry in ClinVar:

ClinVar aggregate classification (germline): Uncertain significance (1 of 4 stars; one submission).

gnomAD v4.1: 5 of 1,605,198 alleles (0.00031%); highest among the groups gnomAD compares: Non-Finnish European, 0.00026%; no homozygotes.

Submission:

Labcorp Genetics (formerly Invitae), Labcorp
Classification: Uncertain significance. Last evaluated: 2025-05-02. Review status: criteria provided, single submitter. Criteria: Invitae Variant Classification Sherloc (09022015). Collection method: clinical testing. Allele origin: germline.
Comment: This sequence change affects codon 89 of the GHR mRNA. It is a 'silent' change, meaning that it does not change the encoded amino acid sequence of the GHR protein. It affects a nucleotide within the consensus splice site. This variant is not present in population databases (gnomAD no frequency). This variant has not been reported in the literature in individuals affected with GHR-related conditions. ClinVar contains an entry for this variant (Variation ID: 3699745). Algorithms developed to predict the effect of sequence changes on RNA splicing suggest that this variant is not likely to affect RNA splicing. In summary, the available evidence is currently insufficient to determine the role of this variant in disease. Therefore, it has been classified as a Variant of Uncertain Significance.

NM_000163.5(GHR):c.267G>A (p.Arg89=)

Gene: GHR (growth hormone receptor; plus strand). Cytogenetic location: 5p12.
Variant type: single nucleotide variant.
Coding change: c.267G>A on transcript NM_000163.5 (MANE Select); coding-DNA position 267, G replaced by A.
Protein change: p.Arg89=; no amino-acid change (arginine 89 retained).
Molecular consequence: synonymous variant.
Genome position (GRCh38, 1-based): chr5:42,694,917, G>A. VCF-style: chr5-42694917-G-A. GRCh37 (hg19) VCF-style: chr5-42695019-G-A.
Other names: c.267G>A, p.Arg89= (NM_001242404.2, NM_001242405.2, NM_001242406.2 and 5 more transcripts); c.201G>A, p.Arg67= (NM_001242460.2); c.288G>A, p.Arg96= (NM_001242399.2).
Identifiers: ClinVar variation 3699745 (VCV003699745.2).
Genomic context (GRCh38, chr5:42,694,917, plus strand): 5'-GGACTTAAGCTACAACATGATTTTTGGAACAATTAATCTTTTTTTAACCCTTCATTTTAG[G>A]AACACTCAAGAATGGACTCAAGAATGGAAAGAATGCCCTGATTATGTTTCTGCTGGGGAA-3'
Protein context (NP_000154.1, residues 79-99): LGPIQLFYTR[Arg89=]NTQEWTQEWK